The following is an entry in ClinVar:

NM_001330078.2(NRXN1):c.377C>G (p.Thr126Ser)

Gene: NRXN1 (neurexin 1; minus strand). Cytogenetic location: 2p16.3.
Variant type: single nucleotide variant.
Coding change: c.377C>G on transcript NM_001330078.2 (MANE Select); coding-DNA position 377, C replaced by G.
Protein change: p.Thr126Ser; replaces threonine 126 with serine.
Molecular consequence: missense variant.
Genome position (GRCh38, 1-based): chr2:51,027,897, G>C on the plus strand (C>G on the coding strand, the complement: NRXN1 is on the minus strand). VCF-style: chr2-51027897-G-C. GRCh37 (hg19) VCF-style: chr2-51255035-G-C.
Other names: c.377C>G, p.Thr126Ser (NM_001135659.3, NM_001330077.2, NM_001330079.2 and 15 more transcripts); short protein forms T126S.
Identifiers: ClinVar variation 2789889 (VCV002789889.3), dbSNP rs2468078667, ClinGen allele CA346824131.

ClinVar aggregate classification (germline): Uncertain significance (1 of 4 stars; one submission).

Conditions:
Pitt-Hopkins-like syndrome 2 (PTHSL2). Identifiers: Orphanet 221150, Orphanet 600663, MedGen C3280479, MONDO:0013690, OMIM 614325.

Submission:

Labcorp Genetics (formerly Invitae), Labcorp
Classification: Uncertain significance for Pitt-Hopkins-like syndrome 2. Last evaluated: 2023-09-22. Review status: criteria provided, single submitter. Criteria: Invitae Variant Classification Sherloc (09022015). Collection method: clinical testing. Allele origin: germline.
Comment: In summary, the available evidence is currently insufficient to determine the role of this variant in disease. Therefore, it has been classified as a Variant of Uncertain Significance. An algorithm developed to predict the effect of missense changes on protein structure and function (PolyPhen-2) suggests that this variant is likely to be disruptive. This variant has not been reported in the literature in individuals affected with NRXN1-related conditions. This variant is not present in population databases (gnomAD no frequency). This sequence change replaces threonine, which is neutral and polar, with serine, which is neutral and polar, at codon 126 of the NRXN1 protein (p.Thr126Ser).